The following is an entry in ClinVar:

ClinVar aggregate classification (germline): Uncertain significance (1 of 4 stars; one submission).

Conditions:
Ataxia-telangiectasia syndrome (AT). Also called: LOUIS-BAR SYNDROME; Cerebello-oculocutaneous telangiectasia; Immunodeficiency with ataxia telangiectasia; Ataxia telangiectasia (A-T); Ataxia-telangiectasia, complementation group D; AT, COMPLEMENTATION GROUP C. Identifiers: Orphanet 100, MedGen C0004135, MONDO:0008840, OMIM 208900.

Submission:

Labcorp Genetics (formerly Invitae), Labcorp
Classification: Uncertain significance for Ataxia-telangiectasia syndrome. Last evaluated: 2023-07-20. Review status: criteria provided, single submitter. Criteria: Invitae Variant Classification Sherloc (09022015). Collection method: clinical testing. Allele origin: germline.
Comment: This sequence change replaces arginine, which is basic and polar, with threonine, which is neutral and polar, at codon 2568 of the ATM protein (p.Arg2568Thr). In summary, the available evidence is currently insufficient to determine the role of this variant in disease. Therefore, it has been classified as a Variant of Uncertain Significance. An algorithm developed to predict the effect of missense changes on protein structure and function (PolyPhen-2) suggests that this variant is likely to be tolerated. This variant has not been reported in the literature in individuals affected with ATM-related conditions. This variant is not present in population databases (gnomAD no frequency).

NM_000051.4(ATM):c.7703G>C (p.Arg2568Thr)

Genes: ATM (ATM serine/threonine kinase; plus strand), C11orf65 (chromosome 11 open reading frame 65; minus strand). Cytogenetic location: 11q22.3.
Variant type: single nucleotide variant.
Coding change: c.7703G>C on transcript NM_000051.4 (MANE Select); coding-DNA position 7703, G replaced by C.
Protein change: p.Arg2568Thr; replaces arginine 2568 with threonine.
Molecular consequence: missense variant. On other transcripts: intron variant (2).
Genome position (GRCh38, 1-based): chr11:108,331,952, G>C. VCF-style: chr11-108331952-G-C. GRCh37 (hg19) VCF-style: chr11-108202679-G-C.
Other names: c.7703G>C, p.Arg2568Thr (NM_001351834.2); c.641-22881C>G (NM_001330368.2); c.*38+3268C>G (NM_001351110.2); short protein forms R2568T.
Identifiers: ClinVar variation 2745514 (VCV002745514.3), dbSNP rs1591171915, ClinGen allele CA382561042.